The following is an entry in ClinVar:

ClinVar aggregate classification (germline): Uncertain significance (1 of 4 stars; one submission).

Conditions:
Atypical glycine encephalopathy. Also called: Glycine encephalopathy with normal serum glycine. Identifiers: Orphanet 289863, MedGen C4310943, MONDO:0015010, OMIM 617301.

Allele frequency attached by ClinVar (database versions not stated): TOPMed below 0.00001; gnomAD 0.00001; ExAC 0.00007.
gnomAD v4.1: 20 of 1,613,824 alleles (0.0012%); highest among the groups gnomAD compares: Non-Finnish European, 0.0016%; no homozygotes.

Submission:

Labcorp Genetics (formerly Invitae), Labcorp
Classification: Uncertain significance for Atypical glycine encephalopathy. Last evaluated: 2022-07-26. Review status: criteria provided, single submitter. Criteria: Invitae Variant Classification Sherloc (09022015). Collection method: clinical testing. Allele origin: germline.
Comment: ClinVar contains an entry for this variant (Variation ID: 1415119). This variant has not been reported in the literature in individuals affected with SLC6A9-related conditions. This variant is present in population databases (rs202156666, gnomAD 0.006%). This sequence change replaces alanine, which is neutral and non-polar, with valine, which is neutral and non-polar, at codon 688 of the SLC6A9 protein (p.Ala688Val). In summary, the available evidence is currently insufficient to determine the role of this variant in disease. Therefore, it has been classified as a Variant of Uncertain Significance. Algorithms developed to predict the effect of sequence changes on RNA splicing suggest that this variant may create or strengthen a splice site. Algorithms developed to predict the effect of missense changes on protein structure and function (SIFT, PolyPhen-2, Align-GVGD) all suggest that this variant is likely to be tolerated.

NM_001024845.3(SLC6A9):c.1844C>T (p.Ala615Val)

Gene: SLC6A9 (solute carrier family 6 member 9; minus strand). Cytogenetic location: 1p34.1.
Variant type: single nucleotide variant.
Coding change: c.1844C>T on transcript NM_001024845.3 (MANE Select); coding-DNA position 1844, C replaced by T.
Protein change: p.Ala615Val; replaces alanine 615 with valine.
Molecular consequence: missense variant. On other transcripts: non-coding transcript variant (1).
Genome position (GRCh38, 1-based): chr1:43,997,603, G>A on the plus strand (C>T on the coding strand, the complement: SLC6A9 is on the minus strand). VCF-style: chr1-43997603-G-A. GRCh37 (hg19) VCF-style: chr1-44463275-G-A.
Other names: c.1856C>T, p.Ala619Val (NM_001261380.2); c.1511C>T, p.Ala504Val (NM_001328626.2); c.1781C>T, p.Ala594Val (NM_001328627.1); c.1649C>T, p.Ala550Val (NM_001328628.1); c.1844C>T, p.Ala615Val (NM_001328629.1); c.1340C>T, p.Ala447Val (NM_001328630.2); c.1901C>T, p.Ala634Val (NM_006934.4); c.2063C>T, p.Ala688Val (NM_201649.4); short protein forms A504V, A615V, A688V, A447V, A550V, A634V, A594V, A619V.
Identifiers: ClinVar variation 1415119 (VCV001415119.8), dbSNP rs202156666, ClinGen allele CA817335.